The following is an entry in ClinVar:

ClinVar aggregate classification (germline): Uncertain significance (1 of 4 stars; one submission).

Conditions:
Inborn genetic diseases. Identifiers: MedGen C0950123, MeSH D030342.

gnomAD v4.1: 3 of 1,613,686 alleles (0.00019%); highest among the groups gnomAD compares: Non-Finnish European, 0.00025%; no homozygotes.

Submission:

Ambry Genetics
Classification: Uncertain significance for Inborn genetic diseases. Last evaluated: 2025-05-02. Review status: criteria provided, single submitter. Criteria: Ambry Variant Classification Scheme 2023. Collection method: clinical testing. Allele origin: germline.
Comment: The p.A778P variant (also known as c.2332G>C), located in coding exon 26 of the FANCA gene, results from a G to C substitution at nucleotide position 2332. The alanine at codon 778 is replaced by proline, an amino acid with highly similar properties. This amino acid position is conserved. In addition, the in silico prediction for this alteration is inconclusive. Based on the available evidence, the clinical significance of this variant remains unclear.

NM_000135.4(FANCA):c.2332G>C (p.Ala778Pro)

Gene: FANCA (FA complementation group A; minus strand). Cytogenetic location: 16q24.3.
Variant type: single nucleotide variant.
Coding change: c.2332G>C on transcript NM_000135.4 (MANE Select); coding-DNA position 2332, G replaced by C.
Protein change: p.Ala778Pro; replaces alanine 778 with proline.
Molecular consequence: missense variant.
Genome position (GRCh38, 1-based): chr16:89,770,009, C>G on the plus strand (G>C on the coding strand, the complement: FANCA is on the minus strand). VCF-style: chr16-89770009-C-G. GRCh37 (hg19) VCF-style: chr16-89836417-C-G.
Other names: c.2332G>C, p.Ala778Pro (NM_001286167.3); short protein forms A778P.
Identifiers: ClinVar variation 4022233 (VCV004022233.1).